The following is an entry in ClinVar:

NM_001267550.2(TTN):c.6890G>A (p.Gly2297Glu)

Genes: TTN (titin; minus strand), LOC126806433 (BRD4-independent group 4 enhancer GRCh37_chr2:179638309-179639508; plus strand). Cytogenetic location: 2q31.2.
Variant type: single nucleotide variant.
Coding change: c.6890G>A on transcript NM_001267550.2 (MANE Select); coding-DNA position 6890, G replaced by A.
Protein change: p.Gly2297Glu; replaces glycine 2297 with glutamic acid.
Molecular consequence: missense variant.
Genome position (GRCh38, 1-based): chr2:178,774,374, C>T on the plus strand (G>A on the coding strand, the complement: TTN is on the minus strand). VCF-style: chr2-178774374-C-T. GRCh37 (hg19) VCF-style: chr2-179639101-C-T.
Other names: c.6890G>A, p.Gly2297Glu (NM_001256850.1, NM_133378.4, NM_133379.5); c.6752G>A, p.Gly2251Glu (NM_003319.4, NM_133432.3, NM_133437.4); short protein forms G2251E, G2297E.
Identifiers: ClinVar variation 2651720 (VCV002651720.24), dbSNP rs2532730164, ClinGen allele CA349681489.

ClinVar aggregate classification (germline): Uncertain significance (1 of 4 stars; one submission).

Submission:

CeGaT Center for Human Genetics Tuebingen
Classification: Uncertain significance. Last evaluated: 2023-03-01. Review status: criteria provided, single submitter. Criteria: CeGaT Center For Human Genetics Tuebingen Variant Classification Criteria Version 2. Collection method: clinical testing. Allele origin: germline. Affected: yes. Observed: 1 variant allele.
Comment: TTN: PM2